The following is an entry in ClinVar:

NM_003919.3(SGCE):c.1195C>G (p.Pro399Ala)

Genes: CASD1 (CAS1 domain sialic acid O acetyltransferase 1; plus strand), SGCE (sarcoglycan epsilon; minus strand). Cytogenetic location: 7q21.3.
Variant type: single nucleotide variant.
Coding change: c.1195C>G on transcript NM_003919.3 (MANE Select); coding-DNA position 1195, C replaced by G.
Protein change: p.Pro399Ala; replaces proline 399 with alanine.
Molecular consequence: missense variant.
Genome position (GRCh38, 1-based): chr7:94,598,833, G>C on the plus strand (C>G on the coding strand, the complement: SGCE is on the minus strand). VCF-style: chr7-94598833-G-C. GRCh37 (hg19) VCF-style: chr7-94228145-G-C.
Other names: c.1168C>G, p.Pro390Ala (NM_001099400.2, NM_001346717.2); c.1195C>G, p.Pro399Ala (NM_001099401.2); c.1072C>G, p.Pro358Ala (NM_001301139.2); c.1303C>G, p.Pro435Ala (NM_001346713.2); c.1276C>G, p.Pro426Ala (NM_001346715.2); c.1108C>G, p.Pro370Ala (NM_001346719.2); c.922C>G, p.Pro308Ala (NM_001346720.2); c.1081C>G, p.Pro361Ala (NM_001362807.2); and 2 more; short protein forms P299A, P308A, P349A, P358A, P361A, P370A, P390A, P399A.
Identifiers: ClinVar variation 1063416 (VCV001063416.9), dbSNP rs747427574, ClinGen allele CA162920306.

ClinVar aggregate classification (germline): Uncertain significance (1 of 4 stars; one submission).

Conditions:
Myoclonic dystonia 11 (DYT11). Also called: DYT-SGCE; Myoclonic dystonia; Dystonia 11; Dystonia, alcohol responsive; Hereditary essential myoclonus; SGCE Myoclonus-Dystonia. Identifiers: Orphanet 36899, MedGen C1834570, MONDO:0008044, OMIM 159900.

Submission:

Labcorp Genetics (formerly Invitae), Labcorp
Classification: Uncertain significance for Myoclonic dystonia 11. Last evaluated: 2022-07-05. Review status: criteria provided, single submitter. Criteria: Invitae Variant Classification Sherloc (09022015). Collection method: clinical testing. Allele origin: germline.
Comment: In summary, the available evidence is currently insufficient to determine the role of this variant in disease. Therefore, it has been classified as a Variant of Uncertain Significance. Algorithms developed to predict the effect of missense changes on protein structure and function are either unavailable or do not agree on the potential impact of this missense change (SIFT: "Tolerated"; PolyPhen-2: "Possibly Damaging"; Align-GVGD: "Class C0"). This sequence change replaces proline, which is neutral and non-polar, with alanine, which is neutral and non-polar, at codon 399 of the SGCE protein (p.Pro399Ala). This variant is not present in population databases (gnomAD no frequency). This variant has not been reported in the literature in individuals affected with SGCE-related conditions. ClinVar contains an entry for this variant (Variation ID: 1063416).